The following is an entry in ClinVar:

NM_181552.4(CUX1):c.4103G>A (p.Arg1368Gln)

Gene: CUX1 (cut like homeobox 1; plus strand). Cytogenetic location: 7q22.1.
Variant type: single nucleotide variant.
Coding change: c.4103G>A on transcript NM_181552.4 (MANE Select); coding-DNA position 4103, G replaced by A.
Protein change: p.Arg1368Gln; replaces arginine 1368 with glutamine.
Molecular consequence: missense variant. On other transcripts: intron variant (5).
Genome position (GRCh38, 1-based): chr7:102,248,627, G>A. VCF-style: chr7-102248627-G-A. GRCh37 (hg19) VCF-style: chr7-101891907-G-A.
Other names: c.4136G>A, p.Arg1379Gln (NM_001202543.2); c.1256-24739G>A (NM_001913.5); c.1250-24739G>A (NM_181500.4); c.1118-24739G>A (NM_001202545.3); c.1208-24739G>A (NM_001202544.3); c.1139-24739G>A (NM_001202546.3); c.4136G>A (NM_001202543.1); short protein forms R1368Q, R1379Q.
Identifiers: ClinVar variation 1695203 (VCV001695203.33), dbSNP rs553811765, ClinGen allele CA4411489.

ClinVar aggregate classification (germline): Benign/Likely benign. Review status: criteria provided, multiple submitters, no conflicts (2 of 4 stars). 3 submissions from 3 submitters: Benign (1); Likely benign (1). 1 of the submissions does not count toward it. Last evaluated 2026-09-01.

Conditions:
CUX1-related disorder. Also called: CUX1-related condition.

Allele frequency attached by ClinVar (database versions not stated): gnomAD 0.00084 and 0.00125; TOPMed 0.00100; gnomAD exomes 0.00123 and 0.00321; 1000 Genomes Project 0.00260; 1000 Genomes Project 30x 0.00265; ExAC 0.00957.
gnomAD v4.1: 1,783 of 1,423,494 alleles (0.13%); highest among the groups gnomAD compares: South Asian, 0.87%; 16 homozygotes.

Submissions (3):

CeGaT Center for Human Genetics Tuebingen
Classification: Benign. Last evaluated: 2026-09-01. Review status: criteria provided, single submitter. Criteria: CeGaT Center For Human Genetics Tuebingen Variant Classification Criteria Version 2. Collection method: clinical testing. Allele origin: germline. Affected: yes. Observed: 9 variant alleles.
Comment: CUX1: BS1, BS2

Blueprint Genetics
Classification: Likely benign. Last evaluated: 2024-11-25. Review status: criteria provided, single submitter. Criteria: ACMG Guidelines, 2015. Collection method: clinical testing. Allele origin: germline.

PreventionGenetics, part of Exact Sciences
Classification: Likely benign for CUX1-related condition. Last evaluated: 2022-06-21. Review status: no assertion criteria provided. Collection method: clinical testing. Allele origin: germline. Not counted in ClinVar's aggregate classification.
Comment: This variant is classified as likely benign based on ACMG/AMP sequence variant interpretation guidelines (Richards et al. 2015 PMID: 25741868, with internal and published modifications).